The following is an entry in ClinVar:

NM_014363.6(SACS):c.5884G>C (p.Gly1962Arg)

Gene: SACS (sacsin molecular chaperone; minus strand). Cytogenetic location: 13q12.12.
Variant type: single nucleotide variant.
Coding change: c.5884G>C on transcript NM_014363.6 (MANE Select); coding-DNA position 5884, G replaced by C.
Protein change: p.Gly1962Arg; replaces glycine 1962 with arginine.
Molecular consequence: missense variant.
Genome position (GRCh38, 1-based): chr13:23,337,992, C>G on the plus strand (G>C on the coding strand, the complement: SACS is on the minus strand). VCF-style: chr13-23337992-C-G. GRCh37 (hg19) VCF-style: chr13-23912131-C-G.
Other names: c.5443G>C, p.Gly1815Arg (NM_001278055.2); short protein forms G1815R, G1962R.
Identifiers: ClinVar variation 2571999 (VCV002571999.1), dbSNP rs757708333, ClinGen allele CA246658661.

ClinVar aggregate classification (germline): Uncertain significance (1 of 4 stars; one submission).

gnomAD v4.1: 1 of 1,613,894 alleles (0.000062%); no homozygotes.

Submission:

GeneDx
Classification: Uncertain significance. Last evaluated: 2023-01-10. Review status: criteria provided, single submitter. Criteria: GeneDx Variant Classification Process June 2021. Collection method: clinical testing. Allele origin: germline. Affected: yes.
Comment: Not observed at significant frequency in large population cohorts (gnomAD); In silico analysis supports that this missense variant does not alter protein structure/function; Has not been previously published as pathogenic or benign to our knowledge